The following is an entry in ClinVar:

NM_138711.6(PPARG):c.1335G>A (p.Thr445=)

Gene: PPARG (peroxisome proliferator activated receptor gamma; plus strand). Cytogenetic location: 3p25.2.
Variant type: single nucleotide variant.
Coding change: c.1335G>A on transcript NM_138711.6 (MANE Select); coding-DNA position 1335, G replaced by A.
Protein change: p.Thr445=; no amino-acid change (threonine 445 retained).
Molecular consequence: synonymous variant. On other transcripts: 3 prime UTR variant (5).
Genome position (GRCh38, 1-based): chr3:12,434,052, G>A. VCF-style: chr3-12434052-G-A. GRCh37 (hg19) VCF-style: chr3-12475551-G-A.
Other names: c.*137G>A (NM_001330615.4, NM_001374261.3, NM_001374262.3 and 1 more transcripts); c.1335G>A, p.Thr445= (NM_001354666.3, NM_001354667.3, NM_001374263.2 and 3 more transcripts); c.708G>A, p.Thr236= (NM_001354669.2); c.*121G>A (NM_001374266.1); c.1425G>A, p.Thr475= (NM_015869.5).
Identifiers: ClinVar variation 717269 (VCV000717269.13), dbSNP rs200776552, ClinGen allele CA2258361.

ClinVar aggregate classification (germline): Benign/Likely benign. Review status: criteria provided, multiple submitters, no conflicts (2 of 4 stars). 3 submissions from 3 submitters: Benign (1); Likely benign (1). 1 of the submissions does not count toward it. Last evaluated 2026-06-01.

Conditions:
PPARG-related disorder. Also called: PPARG-related disorders; PPARG-related condition.

Allele frequency attached by ClinVar (database versions not stated): ESP Exome Variant Server 0.00008; TOPMed 0.00012; 1000 Genomes Project 30x 0.00016; 1000 Genomes Project 0.00020; gnomAD exomes 0.00025 and 0.00051; ExAC 0.00029; gnomAD 0.00035 and 0.00036.
gnomAD v4.1: 411 of 1,614,144 alleles (0.025%); highest among the groups gnomAD compares: Middle Eastern, 0.066%; 1 homozygote.

Submissions (3):

CeGaT Center for Human Genetics Tuebingen
Classification: Likely benign. Last evaluated: 2026-06-01. Review status: criteria provided, single submitter. Criteria: CeGaT Center For Human Genetics Tuebingen Variant Classification Criteria Version 2. Collection method: clinical testing. Allele origin: germline. Affected: yes. Observed: 1 variant allele.
Comment: PPARG: BP4, BP7

Labcorp Genetics (formerly Invitae), Labcorp
Classification: Benign. Last evaluated: 2026-01-11. Review status: criteria provided, single submitter. Criteria: Invitae Variant Classification Sherloc (09022015). Collection method: clinical testing. Allele origin: germline.

PreventionGenetics, part of Exact Sciences
Classification: Likely benign for PPARG-related condition. Last evaluated: 2021-06-07. Review status: no assertion criteria provided. Collection method: clinical testing. Allele origin: germline. Not counted in ClinVar's aggregate classification.
Comment: This variant is classified as likely benign based on ACMG/AMP sequence variant interpretation guidelines (Richards et al. 2015 PMID: 25741868, with internal and published modifications).